The following is an entry in ClinVar:

ClinVar aggregate classification (germline): Benign (1 of 4 stars; one submission).

Allele frequency attached by ClinVar (database versions not stated): 1000 Genomes Project 0.03135; gnomAD 0.03163 and 0.03400; TOPMed 0.03552; 1000 Genomes Project 30x 0.03654.
gnomAD v4.1: 4,768 of 152,200 alleles (3.1%); highest among the groups gnomAD compares: African/African-American, 11%; 245 homozygotes.

Submission:

GeneDx
Classification: Benign. Last evaluated: 2018-06-19. Review status: criteria provided, single submitter. Criteria: GeneDx Variant Classification (06012015). Collection method: clinical testing. Allele origin: germline. Affected: yes.
Comment: This variant is considered likely benign or benign based on one or more of the following criteria: it is a conservative change, it occurs at a poorly conserved position in the protein, it is predicted to be benign by multiple in silico algorithms, and/or has population frequency not consistent with disease.

NM_001105206.3(LAMA4):c.423-202C>T

Gene: LAMA4 (laminin subunit alpha 4; minus strand). Cytogenetic location: 6q21.
Variant type: single nucleotide variant.
Coding change: c.423-202C>T on transcript NM_001105206.3 (MANE Select); 202 bases into the intron before coding-DNA position 423, C replaced by T.
Molecular consequence: intron variant.
Genome position (GRCh38, 1-based): chr6:112,201,890, G>A on the plus strand (C>T on the coding strand, the complement: LAMA4 is on the minus strand). VCF-style: chr6-112201890-G-A. GRCh37 (hg19) VCF-style: chr6-112523091-G-A.
Other names: c.423-202C>T (NM_002290.5, NM_001105207.3).
Identifiers: ClinVar variation 675362 (VCV000675362.1), dbSNP rs6942034, ClinGen allele CA144889132.